The following is an entry in ClinVar:

ClinVar aggregate classification (germline): Uncertain significance. Review status: criteria provided, multiple submitters, no conflicts (2 of 4 stars). 3 submissions from 3 submitters: Uncertain significance (3). Last evaluated 2025-12-13.

Conditions:
Birt-Hogg-Dube syndrome. Also called: Birt Hogg Dubé syndrome. Identifiers: Orphanet 122, MedGen C0346010, MONDO:0800444.
Hereditary cancer-predisposing syndrome. Also called: Neoplastic Syndromes, Hereditary; Hereditary Cancer Syndrome; Tumor predisposition; Hereditary neoplastic syndrome. Identifiers: Orphanet 140162, MedGen C0027672, MeSH D009386, MONDO:0015356.

Allele frequency attached by ClinVar (database versions not stated): ExAC 0.00001; gnomAD exomes 0.00001; TOPMed 0.00001.

Submissions (3):

Labcorp Genetics (formerly Invitae), Labcorp
Classification: Uncertain significance for Birt-Hogg-Dube syndrome. Last evaluated: 2025-12-13. Review status: criteria provided, single submitter. Criteria: Invitae Variant Classification Sherloc (09022015). Collection method: clinical testing. Allele origin: germline.
Comment: This sequence change replaces arginine, which is basic and polar, with histidine, which is basic and polar, at codon 168 of the FLCN protein (p.Arg168His). This variant is present in population databases (rs759556434, gnomAD 0.002%). This variant has not been reported in the literature in individuals affected with FLCN-related conditions. ClinVar contains an entry for this variant (Variation ID: 583081). Invitae Evidence Modeling of protein sequence and biophysical properties (such as structural, functional, and spatial information, amino acid conservation, physicochemical variation, residue mobility, and thermodynamic stability) indicates that this missense variant is not expected to disrupt FLCN protein function with a negative predictive value of 80%. In summary, the available evidence is currently insufficient to determine the role of this variant in disease. Therefore, it has been classified as a Variant of Uncertain Significance.

Ambry Genetics
Classification: Uncertain significance for Hereditary cancer-predisposing syndrome. Last evaluated: 2024-07-17. Review status: criteria provided, single submitter. Criteria: Ambry Variant Classification Scheme 2023. Collection method: clinical testing. Allele origin: germline.
Comment: The p.R168H variant (also known as c.503G>A), located in coding exon 3 of the FLCN gene, results from a G to A substitution at nucleotide position 503. The arginine at codon 168 is replaced by histidine, an amino acid with highly similar properties. This amino acid position is highly conserved in available vertebrate species. In addition, this alteration is predicted to be deleterious by in silico analysis. Since supporting evidence is limited at this time, the clinical significance of this alteration remains unclear.

Baylor Genetics
Classification: Uncertain significance for Birt-Hogg-Dube syndrome 1. Last evaluated: 2023-09-06. Review status: criteria provided, single submitter. Criteria: ACMG Guidelines, 2015. Collection method: clinical testing. Allele origin: unknown.

NM_144997.7(FLCN):c.503G>A (p.Arg168His)

Gene: FLCN (folliculin; minus strand). Cytogenetic location: 17p11.2.
Variant type: single nucleotide variant.
Coding change: c.503G>A on transcript NM_144997.7 (MANE Select); coding-DNA position 503, G replaced by A.
Protein change: p.Arg168His; replaces arginine 168 with histidine.
Molecular consequence: missense variant.
Genome position (GRCh38, 1-based): chr17:17,224,037, C>T on the plus strand (G>A on the coding strand, the complement: FLCN is on the minus strand). VCF-style: chr17-17224037-C-T. GRCh37 (hg19) VCF-style: chr17-17127351-C-T.
Other names: c.503G>A (LRG_325t1); c.557G>A, p.Arg186His (NM_001353229.2); c.503G>A, p.Arg168His (NM_001353230.2, NM_001353231.2, NM_144606.7); short protein forms R168H, R186H.
Identifiers: ClinVar variation 583081 (VCV000583081.12), dbSNP rs759556434, ClinGen allele CA8416389.
Genomic context (GRCh38, chr17:17,224,037, plus strand): 5'-AAGGGCCAGGAGTTGATGAGGTAGATCCGGTCCATCATGATGGTGATGATGCTGTACCAG[C>T]GCTGGAAGCCCCTGGCCAGGCTGTCCTTGATGAAGAAGGTGTGGCTGAACACAAAGCCGT-3'
Protein context (NP_659434.2, residues 158-178): IKDSLARGFQ[Arg168His]WYSIITIMMD